The following is an entry in ClinVar:

NM_016239.4(MYO15A):c.9620G>A (p.Arg3207His)

Gene: MYO15A (myosin XVA; plus strand). Cytogenetic location: 17p11.2.
Variant type: single nucleotide variant.
Coding change: c.9620G>A on transcript NM_016239.4 (MANE Select); coding-DNA position 9620, G replaced by A.
Protein change: p.Arg3207His; replaces arginine 3207 with histidine.
Molecular consequence: missense variant.
Genome position (GRCh38, 1-based): chr17:18,163,251, G>A. VCF-style: chr17-18163251-G-A. GRCh37 (hg19) VCF-style: chr17-18066565-G-A.
Other names: short protein forms R3207H.
Identifiers: ClinVar variation 228973 (VCV000228973.33), dbSNP rs199621031, ClinGen allele CA8425624.

ClinVar aggregate classification (germline): Conflicting classifications of pathogenicity. Review status: criteria provided, conflicting classifications (1 of 4 stars). 8 submissions from 8 submitters: Pathogenic (3); Likely pathogenic (4); Uncertain significance (1). Last evaluated 2026-05-22.

Conditions:
MYO15A-related disorder. Also called: MYO15A-related condition.
Rare genetic deafness. Identifiers: Orphanet 96210, MedGen C5680250.
Autosomal recessive nonsyndromic hearing loss 3. Also called: NEUROSENSORY NONSYNDROMIC RECESSIVE DEAFNESS 3. Identifiers: Orphanet 90636, MedGen C1838263, MONDO:0010860, OMIM 600316.

Allele frequency attached by ClinVar (database versions not stated): gnomAD exomes 0.00003 and 0.00004; ExAC 0.00006; gnomAD 0.00026 and 0.00027; TOPMed 0.00067; 1000 Genomes Project 30x 0.00094; 1000 Genomes Project 0.00100.

Submissions (8):

PreventionGenetics, part of Exact Sciences
Classification: Likely pathogenic for MYO15A-related condition. Last evaluated: 2026-05-22. Review status: criteria provided, single submitter. Criteria: ACMG Guidelines, 2015. Collection method: clinical testing. Allele origin: germline.
Comment: The MYO15A c.9620G>A variant is predicted to result in the amino acid substitution p.Arg3207His. This variant was reported in the heterozygous state along with a likely pathogenic truncating variant in a patient with nonsyndromic hearing loss (Bademci et al. 2016. PubMed ID: 26226137) and in a second patient with hearing loss along with a second potentially causative rare missense variant (Sommen et al. 2016. PubMed ID: 27068579). This variant was also described, along with a heterozygous splice site variant in the same gene, in an individual with hearing loss (Sloan-Heggen et al. 2016. PubMed ID: 26969326). At PreventionGenetics, this variant was reported in the homozygous or compound heterozygous state along with a likely pathogenic variant in at least three apparently unrelated patients with hearing loss (internal data). This variant is reported in 0.014% of alleles in individuals of Latino descent in gnomAD. This variant is interpreted as likely pathogenic.

Labcorp Genetics (formerly Invitae), Labcorp
Classification: Pathogenic. Last evaluated: 2026-01-19. Review status: criteria provided, single submitter. Criteria: Invitae Variant Classification Sherloc (09022015). Collection method: clinical testing. Allele origin: germline.
Comment: This sequence change replaces arginine, which is basic and polar, with histidine, which is basic and polar, at codon 3207 of the MYO15A protein (p.Arg3207His). This variant is present in population databases (rs199621031, gnomAD 0.01%). This missense change has been observed in individual(s) with autosomal recessive deafness (PMID: 26226137, 27068579; internal data). In at least one individual the data is consistent with being in trans (on the opposite chromosome) from a pathogenic variant. ClinVar contains an entry for this variant (Variation ID: 228973). Invitae Evidence Modeling of protein sequence and biophysical properties (such as structural, functional, and spatial information, amino acid conservation, physicochemical variation, residue mobility, and thermodynamic stability) has been performed for this missense variant. However, the output from this modeling did not meet the statistical confidence thresholds required to predict the impact of this variant on MYO15A protein function. For these reasons, this variant has been classified as Pathogenic.

Women's Health and Genetics/Laboratory Corporation of America, LabCorp
Classification: Likely pathogenic for Autosomal recessive nonsyndromic hearing loss 3. Last evaluated: 2024-09-20. Review status: criteria provided, single submitter. Criteria: LabCorp Variant Classification Summary - May 2015. Collection method: clinical testing. Allele origin: germline.
Comment: Variant summary: MYO15A c.9620G>A (p.Arg3207His) results in a non-conservative amino acid change located in the Band 4.1 domain (IPR019749) of the encoded protein sequence. Four of five in-silico tools predict a damaging effect of the variant on protein function. The variant allele was found at a frequency of 4.4e-05 in 249574 control chromosomes. This frequency is not significantly higher than estimated for a pathogenic variant in MYO15A causing Autosomal Recessive Nonsyndromic Hearing Loss 3, allowing no conclusion about variant significance. c.9620G>A has been reported in the literature in compoound heterozygous individuals affected with Autosomal Recessive Nonsyndromic Hearing Loss 3 (Bademci_2016, Sommen_2016, Yan_2017, Sloan-Heggen_2016). These data indicate that the variant is likely to be associated with disease. To our knowledge, no experimental evidence demonstrating an impact on protein function has been reported. The following publications have been ascertained in the context of this evaluation (PMID: 26226137, 26969326, 27068579, 27344577). ClinVar contains an entry for this variant (Variation ID: 228973). Based on the evidence outlined above, the variant was classified as likely pathogenic.

Fulgent Genetics
Classification: Likely pathogenic for Autosomal recessive nonsyndromic hearing loss 3. Last evaluated: 2024-06-15. Review status: criteria provided, single submitter. Criteria: ACMG Guidelines, 2015. Collection method: clinical testing. Allele origin: germline.

GeneDx
Classification: Pathogenic. Last evaluated: 2024-05-29. Review status: criteria provided, single submitter. Criteria: GeneDx Variant Classification Process June 2021. Collection method: clinical testing. Allele origin: germline. Affected: yes.
Comment: In silico analysis supports that this missense variant has a deleterious effect on protein structure/function; This variant is associated with the following publications: (PMID: 27375115, 27068579, 26226137)

Blueprint Genetics
Classification: Pathogenic for MYO15A-related disorders. Last evaluated: 2023-04-17. Review status: criteria provided, single submitter. Criteria: ACMG Guidelines, 2015. Collection method: clinical testing. Allele origin: germline. Affected: yes. Observed: 5 variant alleles.

Laboratory for Molecular Medicine, Mass General Brigham Personalized Medicine
Classification: Likely pathogenic for Rare genetic deafness. Last evaluated: 2020-01-03. Review status: criteria provided, single submitter. Criteria: LMM Criteria. Collection method: clinical testing. Allele origin: germline. Observed: 7 variant alleles.
Comment: The p.Arg3207His variant in MYO15A has been reported in 7 individuals with hearing loss (two homozygous, four compound heterozygous with a second likely pathogenic variant, and one compound heterozygous with another variant of uncertain significance) (Bademci 2016, Sommen 2016, LMM data). This variant has been identified in 0.01% (5/35374) Latino chromosomes by gnomAD. Although this variant has been seen in the general population, its frequency is low enough to be consistent with a recessive carrier frequency. Computational prediction tools and conservation analyses suggest that this variant may impact the protein. In summary, although additional studies are required to fully establish its clinical significance, this variant is likely pathogenic for autosomal recessive hearing loss. ACMG/AMP criteria applied: PM3_Strong, PM2_Supporting.

ARUP Laboratories, Molecular Genetics and Genomics, ARUP Laboratories
Classification: Uncertain significance for Autosomal recessive nonsyndromic hearing loss 3. Last evaluated: 2018-08-31. Review status: criteria provided, single submitter. Criteria: ARUP Molecular Germline Variant Investigation Process. Collection method: clinical testing. Allele origin: germline.
Comment: The p.Arg3207His variant (rs199621031) is reported in the medical literature in two individuals with nonsyndromic hearing loss, one who harbored a truncating variant on the other MYO15A allele and another who had a second missense variant in MYO15A (Bademci 2016 and Sommen 2016). This variant is reported in ClinVar (Variation ID: 228973) and is found in the general population with an allele frequency of 0.0036% (10/277,202 alleles) in the Genome Aggregation Database. The arginine at codon 3207 is highly conserved considering 11 species (Alamut v2.11) but computational analyses (SIFT: damaging, PolyPhen-2: benign) predict conflicting effects of this variant on protein structure/function. Based on the available information, the clinical significance of this variant is uncertain at this time.

Literature cited by the submitters: PubMed 26226137 (cited by 3 submitters); PubMed 27068579 (cited by 3 submitters); PubMed 26969326 (cited by Women's Health and Genetics/Laboratory Corporation of America, LabCorp); PubMed 27344577 (cited by Women's Health and Genetics/Laboratory Corporation of America, LabCorp).